The following is an entry in ClinVar:

NM_004393.6(DAG1):c.1508T>C (p.Ile503Thr)

Gene: DAG1 (dystroglycan 1; plus strand). Cytogenetic location: 3p21.31.
Variant type: single nucleotide variant.
Coding change: c.1508T>C on transcript NM_004393.6 (MANE Select); coding-DNA position 1508, T replaced by C.
Protein change: p.Ile503Thr; replaces isoleucine 503 with threonine.
Molecular consequence: missense variant.
Genome position (GRCh38, 1-based): chr3:49,532,019, T>C. VCF-style: chr3-49532019-T-C. GRCh37 (hg19) VCF-style: chr3-49569452-T-C.
Other names: c.1508T>C (NM_004393.5); c.1508T>C, p.Ile503Thr (NM_001165928.4, NM_001177634.3, NM_001177635.3 and 9 more transcripts); short protein forms I503T.
Identifiers: ClinVar variation 1897818 (VCV001897818.8), dbSNP rs1469319860, ClinGen allele CA352795528.

ClinVar aggregate classification (germline): Uncertain significance. Review status: criteria provided, multiple submitters, no conflicts (2 of 4 stars). 2 submissions from 2 submitters: Uncertain significance (2). Last evaluated 2022-03-20.

Conditions:
Muscular dystrophy-dystroglycanopathy (congenital with brain and eye anomalies), type A9. Also called: WALKER-WARBURG SYNDROME OR MUSCLE-EYE BRAIN DISEASE, DAG1-RELATED; Muscular dystrophy-dystroglycanopathy (congenital with brain and eye anomalies), type a, 9. Identifiers: Orphanet 370997, Orphanet 899, MedGen C4225291, MONDO:0014683, OMIM 616538.
Autosomal recessive limb-girdle muscular dystrophy type 2P. Also called: MUSCULAR DYSTROPHY, LIMB-GIRDLE, TYPE 2P; Limb-Girdle Muscular Dystrophy Type 9C; MUSCULAR DYSTROPHY-DYSTROGLYCANOPATHY, LIMB-GIRDLE, DAG1-RELATED. Identifiers: Orphanet 280333, MedGen C4511963, MONDO:0013440, OMIM 613818.

Allele frequency attached by ClinVar (database versions not stated): gnomAD exomes below 0.00001; TOPMed below 0.00001; gnomAD 0.00001.
gnomAD v4.1: 2 of 1,613,992 alleles (0.00012%); highest among the groups gnomAD compares: Non-Finnish European, 0.00017%; no homozygotes.

Submissions (2):

Labcorp Genetics (formerly Invitae), Labcorp
Classification: Uncertain significance for Autosomal recessive limb-girdle muscular dystrophy type 2P; Muscular dystrophy-dystroglycanopathy (congenital with brain and eye anomalies), type A9. Last evaluated: 2022-03-20. Review status: criteria provided, single submitter. Criteria: Invitae Variant Classification Sherloc (09022015). Collection method: clinical testing. Allele origin: germline.
Comment: In summary, the available evidence is currently insufficient to determine the role of this variant in disease. Therefore, it has been classified as a Variant of Uncertain Significance. Algorithms developed to predict the effect of missense changes on protein structure and function are either unavailable or do not agree on the potential impact of this missense change (SIFT: "Deleterious"; PolyPhen-2: "Probably Damaging"; Align-GVGD: "Class C0"). This variant has not been reported in the literature in individuals affected with DAG1-related conditions. This variant is not present in population databases (gnomAD no frequency). This sequence change replaces isoleucine, which is neutral and non-polar, with threonine, which is neutral and polar, at codon 503 of the DAG1 protein (p.Ile503Thr).

Revvity Omics, Revvity
Classification: Uncertain significance. Last evaluated: 2020-02-19. Review status: criteria provided, single submitter. Criteria: ACMG Guidelines, 2015. Collection method: clinical testing. Allele origin: germline.